The following is an entry in ClinVar:

ClinVar aggregate classification (germline): Uncertain significance (1 of 4 stars; one submission).

Allele frequency attached by ClinVar (database versions not stated): ExAC 0.00001; gnomAD 0.00001; gnomAD exomes 0.00001 and 0.00002.
gnomAD v4.1: 6 of 1,608,872 alleles (0.00037%); highest among the groups gnomAD compares: Non-Finnish European, 0.00051%; no homozygotes.

Submission:

Labcorp Genetics (formerly Invitae), Labcorp
Classification: Uncertain significance. Last evaluated: 2022-02-02. Review status: criteria provided, single submitter. Criteria: Invitae Variant Classification Sherloc (09022015). Collection method: clinical testing. Allele origin: germline.
Comment: In summary, the available evidence is currently insufficient to determine the role of this variant in disease. Therefore, it has been classified as a Variant of Uncertain Significance. Algorithms developed to predict the effect of missense changes on protein structure and function are either unavailable or do not agree on the potential impact of this missense change (SIFT: "Deleterious"; PolyPhen-2: "Possibly Damaging"; Align-GVGD: "Class C0"). This variant has not been reported in the literature in individuals affected with TBCK-related conditions. This variant is present in population databases (rs763329849, gnomAD 0.004%). This sequence change replaces arginine, which is basic and polar, with isoleucine, which is neutral and non-polar, at codon 372 of the TBCK protein (p.Arg372Ile).

NM_001163435.3(TBCK):c.1115G>T (p.Arg372Ile)

Gene: TBCK (TBC1 domain containing kinase; minus strand). Cytogenetic location: 4q24.
Variant type: single nucleotide variant.
Coding change: c.1115G>T on transcript NM_001163435.3 (MANE Select); coding-DNA position 1115, G replaced by T.
Protein change: p.Arg372Ile; replaces arginine 372 with isoleucine.
Molecular consequence: missense variant.
Genome position (GRCh38, 1-based): chr4:106,242,525, C>A on the plus strand (G>T on the coding strand, the complement: TBCK is on the minus strand). VCF-style: chr4-106242525-C-A. GRCh37 (hg19) VCF-style: chr4-107163682-C-A.
Other names: c.1115G>T, p.Arg372Ile (NM_001163436.4); c.998G>T, p.Arg333Ile (NM_001163437.3); c.599G>T, p.Arg200Ile (NM_001290768.2); c.926G>T, p.Arg309Ile (NM_033115.5); short protein forms R200I, R309I, R333I, R372I.
Identifiers: ClinVar variation 1505749 (VCV001505749.8), dbSNP rs763329849, ClinGen allele CA3035190.